The following is an entry in ClinVar:

NM_001378477.3(NYX):c.109C>G (p.Arg37Gly)

Gene: NYX (nyctalopin; plus strand). Cytogenetic location: Xp11.4.
Variant type: single nucleotide variant.
Coding change: c.109C>G on transcript NM_001378477.3 (MANE Select); coding-DNA position 109, C replaced by G.
Protein change: p.Arg37Gly; replaces arginine 37 with glycine.
Molecular consequence: missense variant.
Genome position (GRCh38, 1-based): chrX:41,473,577, C>G. VCF-style: chrX-41473577-C-G. GRCh37 (hg19) VCF-style: chrX-41332830-C-G.
Other names: c.109C>G, p.Arg37Gly (NM_022567.3); c.124C>G (NM_022567.2); short protein forms R37G.
Identifiers: ClinVar variation 1363977 (VCV001363977.9), dbSNP rs890854689, ClinGen allele CA329217029.

ClinVar aggregate classification (germline): Uncertain significance. Review status: criteria provided, multiple submitters, no conflicts (2 of 4 stars). 2 submissions from 2 submitters: Uncertain significance (2). Last evaluated 2025-12-08.

Conditions:
Inborn genetic diseases. Identifiers: MedGen C0950123, MeSH D030342.

Allele frequency attached by ClinVar (database versions not stated): gnomAD 0.00004.
gnomAD v4.1: 4 of 1,003,626 alleles (0.0004%); highest among the groups gnomAD compares: African/African-American, 0.0082%; no homozygotes.

Submissions (2):

Ambry Genetics
Classification: Uncertain significance for Inborn genetic diseases. Last evaluated: 2025-12-08. Review status: criteria provided, single submitter. Criteria: Ambry Variant Classification Scheme 2023. Collection method: clinical testing. Allele origin: germline.

Labcorp Genetics (formerly Invitae), Labcorp
Classification: Uncertain significance. Last evaluated: 2023-12-02. Review status: criteria provided, single submitter. Criteria: Invitae Variant Classification Sherloc (09022015). Collection method: clinical testing. Allele origin: germline.
Comment: This sequence change replaces arginine, which is basic and polar, with glycine, which is neutral and non-polar, at codon 42 of the NYX protein (p.Arg42Gly). This variant is present in population databases (no rsID available, gnomAD 0.02%). This variant has not been reported in the literature in individuals affected with NYX-related conditions. ClinVar contains an entry for this variant (Variation ID: 1363977). An algorithm developed to predict the effect of missense changes on protein structure and function (PolyPhen-2) suggests that this variant is likely to be tolerated. In summary, the available evidence is currently insufficient to determine the role of this variant in disease. Therefore, it has been classified as a Variant of Uncertain Significance.